The following is an entry in ClinVar:

NM_003579.4(RAD54L):c.784C>T (p.Arg262Cys)

Gene: RAD54L (RAD54 like; plus strand). Cytogenetic location: 1p34.1.
Variant type: single nucleotide variant.
Coding change: c.784C>T on transcript NM_003579.4 (MANE Select); coding-DNA position 784, C replaced by T.
Protein change: p.Arg262Cys; replaces arginine 262 with cysteine.
Molecular consequence: missense variant.
Genome position (GRCh38, 1-based): chr1:46,261,278, C>T. VCF-style: chr1-46261278-C-T. GRCh37 (hg19) VCF-style: chr1-46726950-C-T.
Other names: c.784C>T, p.Arg262Cys (NM_001142548.2); c.244C>T, p.Arg82Cys (NM_001370766.1); short protein forms R262C, R82C.
Identifiers: ClinVar variation 1760878 (VCV001760878.3), dbSNP rs775691979, ClinGen allele CA834375.

ClinVar aggregate classification (germline): Uncertain significance (1 of 4 stars; one submission).

Allele frequency attached by ClinVar (database versions not stated): gnomAD 0.00001; TOPMed 0.00001; ExAC 0.00002.

Submission:

Ambry Genetics
Classification: Uncertain significance. Last evaluated: 2023-06-21. Review status: criteria provided, single submitter. Criteria: Ambry Variant Classification Scheme 2023. Collection method: clinical testing. Allele origin: germline.
Comment: The p.R262C variant (also known as c.784C>T), located in coding exon 8 of the RAD54L gene, results from a C to T substitution at nucleotide position 784. The arginine at codon 262 is replaced by cysteine, an amino acid with highly dissimilar properties. This amino acid position is conserved. In addition, the in silico prediction for this alteration is inconclusive. Since supporting evidence is limited at this time, the clinical significance of this alteration remains unclear.